The following is an entry in ClinVar:

ClinVar aggregate classification (germline): Benign/Likely benign. Review status: criteria provided, multiple submitters, no conflicts (2 of 4 stars). 3 submissions from 3 submitters: Benign (1); Likely benign (2). Last evaluated 2026-03-01.

Allele frequency attached by ClinVar (database versions not stated): ESP Exome Variant Server 0.00038; gnomAD 0.00043; TOPMed 0.00044; 1000 Genomes Project 0.00060; 1000 Genomes Project 30x 0.00094.
gnomAD v4.1: 723 of 1,613,966 alleles (0.045%); highest among the groups gnomAD compares: South Asian, 0.13%; 2 homozygotes.

Submissions (3):

CeGaT Center for Human Genetics Tuebingen
Classification: Likely benign. Last evaluated: 2026-03-01. Review status: criteria provided, single submitter. Criteria: CeGaT Center For Human Genetics Tuebingen Variant Classification Criteria Version 2. Collection method: clinical testing. Allele origin: germline. Affected: yes. Observed: 5 variant alleles.
Comment: PUM1: BS1

Mayo Clinic Laboratories, Mayo Clinic
Classification: Benign. Last evaluated: 2025-01-28. Review status: criteria provided, single submitter. Criteria: ACMG Guidelines, 2015. Collection method: clinical testing. Allele origin: germline. Observed: 1 variant allele.
Comment: BS1, BS2, BP4_moderate

Blueprint Genetics
Classification: Likely benign. Last evaluated: 2024-09-02. Review status: criteria provided, single submitter. Criteria: ACMG Guidelines, 2015. Collection method: clinical testing. Allele origin: germline.

NM_001020658.2(PUM1):c.2648A>G (p.Asn883Ser)

Genes: PUM1 (pumilio RNA binding family member 1; minus strand), LOC126805680 (BRD4-independent group 4 enhancer GRCh37_chr1:31424624-31425823; plus strand). Cytogenetic location: 1p35.2.
Variant type: single nucleotide variant.
Coding change: c.2648A>G on transcript NM_001020658.2 (MANE Select); coding-DNA position 2648, A replaced by G.
Protein change: p.Asn883Ser; replaces asparagine 883 with serine.
Molecular consequence: missense variant.
Genome position (GRCh38, 1-based): chr1:30,952,307, T>C on the plus strand (A>G on the coding strand, the complement: PUM1 is on the minus strand). VCF-style: chr1-30952307-T-C. GRCh37 (hg19) VCF-style: chr1-31425154-T-C.
Other names: p.Asn883Ser; c.2648A>G, p.Asn883Ser (NM_014676.3); short protein forms N883S.
Identifiers: ClinVar variation 3025349 (VCV003025349.24), dbSNP rs144369611, ClinGen allele CA728917.
Genomic context (GRCh38, chr1:30,952,307, plus strand): 5'-TGAATGACGTAATTACCAAACACATCCACCATGAGTTGGTAGGCAGCCTGGAGGATTTCA[T>C]TGAAGACAAGCTGGCGCTCAGCTGGTGTGGCACGCTCCAGTTTCAGCTGAATGAATCTGA-3'
Protein context (NP_001018494.1, residues 873-893): ATPAERQLVF[Asn883Ser]EILQAAYQLM